The following is an entry in ClinVar:

ClinVar aggregate classification (germline): Uncertain significance (1 of 4 stars; one submission).

Submission:

GeneDx
Classification: Uncertain significance. Last evaluated: 2019-11-25. Review status: criteria provided, single submitter. Criteria: GeneDx Variant Classification Process June 2021. Collection method: clinical testing. Allele origin: germline. Affected: yes.
Comment: Has not been previously published as pathogenic or benign to our knowledge; Not observed in large population cohorts (Lek et al., 2016); In silico analysis, which includes protein predictors and evolutionary conservation, supports a deleterious effect

NM_004415.4(DSP):c.3139G>C (p.Ala1047Pro)

Gene: DSP (desmoplakin; plus strand). Cytogenetic location: 6p24.3.
Variant type: single nucleotide variant.
Coding change: c.3139G>C on transcript NM_004415.4 (MANE Select); coding-DNA position 3139, G replaced by C.
Protein change: p.Ala1047Pro; replaces alanine 1047 with proline.
Molecular consequence: missense variant.
Genome position (GRCh38, 1-based): chr6:7,579,329, G>C. VCF-style: chr6-7579329-G-C. GRCh37 (hg19) VCF-style: chr6-7579562-G-C.
Other names: c.3139G>C, p.Ala1047Pro (NM_001008844.3, NM_001319034.2); short protein forms A1047P.
Identifiers: ClinVar variation 1310533 (VCV001310533.2), dbSNP rs2113691153, ClinGen allele CA362683085.